The following is an entry in ClinVar:

NM_174934.4(SCN4B):c.-29C>A

Gene: SCN4B (sodium voltage-gated channel beta subunit 4; minus strand). Cytogenetic location: 11q23.3.
Variant type: single nucleotide variant.
Coding change: c.-29C>A on transcript NM_174934.4 (MANE Select); 29 bases upstream of the start codon, C replaced by A.
Molecular consequence: 5 prime UTR variant.
Genome position (GRCh38, 1-based): chr11:118,152,702, G>T on the plus strand (C>A on the coding strand, the complement: SCN4B is on the minus strand). VCF-style: chr11-118152702-G-T. GRCh37 (hg19) VCF-style: chr11-118023417-G-T.
Other names: c.-29C>A (NM_001142348.2).
Identifiers: ClinVar variation 513359 (VCV000513359.2), dbSNP rs367975000, ClinGen allele CA6300361.
Genomic context (GRCh38, chr11:118,152,702, plus strand): 5'-GGGGCTTTGCCTCCGTCCCCAGCCCCGGGCATAGTCCTGTTCTCTCCGGAGCGCGCGGGG[G>T]TCGCGGGGATGGGATACTGGGCACAGCCGCGCTCTCCGCCCGAGGTCGGCGTTCGGCCAC-3'

ClinVar aggregate classification (germline): Likely benign. Review status: criteria provided, multiple submitters, no conflicts (2 of 4 stars). 2 submissions from 2 submitters: Likely benign (2). Last evaluated 2017-11-13.

Allele frequency attached by ClinVar (database versions not stated): 1000 Genomes Project 30x 0.00016; gnomAD 0.00023 and 0.00026; TOPMed 0.00028; ESP Exome Variant Server 0.00039.
gnomAD v4.1: 64 of 1,569,140 alleles (0.0041%); highest among the groups gnomAD compares: African/African-American, 0.073%; 1 homozygote.

Submissions (2):

GeneDx
Classification: Likely benign. Last evaluated: 2017-11-13. Review status: criteria provided, single submitter. Criteria: GeneDx Variant Classification (06012015). Collection method: clinical testing. Allele origin: germline. Affected: yes.
Comment: This variant is considered likely benign or benign based on one or more of the following criteria: it is a conservative change, it occurs at a poorly conserved position in the protein, it is predicted to be benign by multiple in silico algorithms, and/or has population frequency not consistent with disease.

Breakthrough Genomics
Classification: Likely benign. Review status: criteria provided, single submitter. Criteria: ACMG Guidelines, 2015. Collection method: not provided. Allele origin: germline. Inheritance: Autosomal dominant inheritance. Affected: yes.